The following is an entry in ClinVar:

NM_022124.6(CDH23):c.5091G>A (p.Glu1697=)

Gene: CDH23 (cadherin related 23; plus strand). Cytogenetic location: 10q22.1.
Variant type: single nucleotide variant.
Coding change: c.5091G>A on transcript NM_022124.6 (MANE Select); coding-DNA position 5091, G replaced by A.
Protein change: p.Glu1697=; no amino-acid change (glutamic acid 1697 retained).
Molecular consequence: synonymous variant.
Genome position (GRCh38, 1-based): chr10:71,778,212, G>A. VCF-style: chr10-71778212-G-A. GRCh37 (hg19) VCF-style: chr10-73537969-G-A.
Identifiers: ClinVar variation 1093192 (VCV001093192.32), dbSNP rs376721494, ClinGen allele CA209452260.
Genomic context (GRCh38, chr10:71,778,212, plus strand): 5'-CCTAGATCCATCCTTGTCCCTTCCCTGTGTCCCCCAGGGTGTCATCACTGCTGCCAAAGA[G>A]CTGGACTACGAGATCAGCCACGGCCGCTACACCCTGATCGTCACTGCCACAGACCAGTGC-3'
Protein context (NP_071407.4, residues 1687-1707): RHMGVITAAK[Glu1697=]LDYEISHGRY

ClinVar aggregate classification (germline): Likely benign. Review status: criteria provided, multiple submitters, no conflicts (2 of 4 stars). 2 submissions from 2 submitters: Likely benign (2). Last evaluated 2025-09-01.

Allele frequency attached by ClinVar (database versions not stated): gnomAD exomes 0.00001 and 0.00002; TOPMed 0.00001; ESP Exome Variant Server 0.00008.
gnomAD v4.1: 12 of 1,613,726 alleles (0.00074%); highest among the groups gnomAD compares: African/African-American, 0.0013%; no homozygotes.

Submissions (2):

CeGaT Center for Human Genetics Tuebingen
Classification: Likely benign. Last evaluated: 2025-09-01. Review status: criteria provided, single submitter. Criteria: CeGaT Center For Human Genetics Tuebingen Variant Classification Criteria Version 2. Collection method: clinical testing. Allele origin: germline. Affected: yes. Observed: 2 variant alleles.
Comment: CDH23: BP4, BP7

Labcorp Genetics (formerly Invitae), Labcorp
Classification: Likely benign. Last evaluated: 2025-03-06. Review status: criteria provided, single submitter. Criteria: Invitae Variant Classification Sherloc (09022015). Collection method: clinical testing. Allele origin: germline.